The following is an entry in ClinVar:

NM_004646.4(NPHS1):c.2667C>A (p.Tyr889Ter)

Gene: NPHS1 (NPHS1 adhesion molecule, nephrin; minus strand). Cytogenetic location: 19q13.12.
Variant type: single nucleotide variant.
Coding change: c.2667C>A on transcript NM_004646.4 (MANE Select); coding-DNA position 2667, C replaced by A.
Protein change: p.Tyr889Ter; replaces tyrosine 889 with a stop codon.
Molecular consequence: nonsense.
Genome position (GRCh38, 1-based): chr19:35,841,863, G>T on the plus strand (C>A on the coding strand, the complement: NPHS1 is on the minus strand). VCF-style: chr19-35841863-G-T. GRCh37 (hg19) VCF-style: chr19-36332765-G-T.
Other names: short protein forms Y889*.
Identifiers: ClinVar variation 2034179 (VCV002034179.4), dbSNP rs1384985862, ClinGen allele CA405390803.

ClinVar aggregate classification (germline): Pathogenic (1 of 4 stars; one submission).

Submission:

Labcorp Genetics (formerly Invitae), Labcorp
Classification: Pathogenic. Last evaluated: 2022-10-05. Review status: criteria provided, single submitter. Criteria: Invitae Variant Classification Sherloc (09022015). Collection method: clinical testing. Allele origin: germline.
Comment: This sequence change creates a premature translational stop signal (p.Tyr889*) in the NPHS1 gene. It is expected to result in an absent or disrupted protein product. Loss-of-function variants in NPHS1 are known to be pathogenic (PMID: 11317351, 11854170, 12039988). This variant is not present in population databases (gnomAD no frequency). This variant has not been reported in the literature in individuals affected with NPHS1-related conditions. For these reasons, this variant has been classified as Pathogenic.

Literature cited by the submitters: PubMed 11317351; PubMed 11854170; PubMed 12039988.